The following is an entry in ClinVar:

NM_000321.3(RB1):c.1501A>C (p.Ser501Arg)

Gene: RB1 (RB transcriptional corepressor 1; plus strand). Cytogenetic location: 13q14.2.
Variant type: single nucleotide variant.
Coding change: c.1501A>C on transcript NM_000321.3 (MANE Select); coding-DNA position 1501, A replaced by C.
Protein change: p.Ser501Arg; replaces serine 501 with arginine.
Molecular consequence: missense variant.
Genome position (GRCh38, 1-based): chr13:48,381,249, A>C. VCF-style: chr13-48381249-A-C. GRCh37 (hg19) VCF-style: chr13-48955385-A-C.
Other names: c.1501A>C, p.Ser501Arg (NM_001407165.1, NM_001407166.1); short protein forms S501R.
Identifiers: ClinVar variation 3707250 (VCV003707250.2).

ClinVar aggregate classification (germline): Uncertain significance (1 of 4 stars; one submission).

Conditions:
Retinoblastoma (RB1). Also called: RETINOBLASTOMA, SOMATIC. Identifiers: Orphanet 790, MedGen C0035335, MeSH D012175, MONDO:0008380, OMIM 180200, HP:0009919. Disease mechanism: loss of function. Inheritance: Both sporadic and heritable forms are tested..

Submission:

Labcorp Genetics (formerly Invitae), Labcorp
Classification: Uncertain significance for Retinoblastoma. Last evaluated: 2024-09-21. Review status: criteria provided, single submitter. Criteria: Invitae Variant Classification Sherloc (09022015). Collection method: clinical testing. Allele origin: germline.
Comment: This sequence change replaces serine, which is neutral and polar, with arginine, which is basic and polar, at codon 501 of the RB1 protein (p.Ser501Arg). This variant is not present in population databases (gnomAD no frequency). This variant has not been reported in the literature in individuals affected with RB1-related conditions. Invitae Evidence Modeling of protein sequence and biophysical properties (such as structural, functional, and spatial information, amino acid conservation, physicochemical variation, residue mobility, and thermodynamic stability) has been performed for this missense variant. However, the output from this modeling did not meet the statistical confidence thresholds required to predict the impact of this variant on RB1 protein function. In summary, the available evidence is currently insufficient to determine the role of this variant in disease. Therefore, it has been classified as a Variant of Uncertain Significance.